The following is an entry in ClinVar:

ClinVar aggregate classification (germline): Conflicting classifications of pathogenicity. Review status: criteria provided, conflicting classifications (1 of 4 stars). 5 submissions from 5 submitters: Uncertain significance (3); Benign (1); Likely benign (1). Last evaluated 2026-01-26.

Conditions:
Retinal dystrophy. Also called: Inherited retinal dystrophy. Identifiers: Orphanet 71862, MedGen C0854723, MeSH D058499, MONDO:0019118, HP:0000556.
Retinitis pigmentosa (RP). Identifiers: Orphanet 791, MedGen C0035334, MeSH D012174, MONDO:0019200, OMIM 268000. Inheritance: Autosomal dominant, autosomal recessive and X linked inheritance.

Allele frequency attached by ClinVar (database versions not stated): gnomAD exomes 0.00063; ExAC 0.00072; gnomAD 0.00213; TOPMed 0.00233; ESP Exome Variant Server 0.00245; 1000 Genomes Project 0.00359; 1000 Genomes Project 30x 0.00359.
gnomAD v4.1: 688 of 1,614,144 alleles (0.043%); highest among the groups gnomAD compares: African/African-American, 0.79%; 2 homozygotes.

Submissions (5):

Labcorp Genetics (formerly Invitae), Labcorp
Classification: Benign. Last evaluated: 2026-01-26. Review status: criteria provided, single submitter. Criteria: Invitae Variant Classification Sherloc (09022015). Collection method: clinical testing. Allele origin: germline.

Blueprint Genetics
Classification: Likely benign. Last evaluated: 2024-06-13. Review status: criteria provided, single submitter. Criteria: ACMG Guidelines, 2015. Collection method: clinical testing. Allele origin: germline.

Dept Of Ophthalmology, Nagoya University
Classification: Uncertain significance for Retinal dystrophy. Last evaluated: 2023-10-01. Review status: criteria provided, single submitter. Criteria: Submitter's publication. Collection method: research. Allele origin: germline. Affected: yes.

GeneDx
Classification: Uncertain significance. Last evaluated: 2020-12-17. Review status: criteria provided, single submitter. Criteria: GeneDx Variant Classification Process June 2021. Collection method: clinical testing. Allele origin: germline. Affected: yes.
Comment: In silico analysis supports that this missense variant does not alter protein structure/function; Has not been previously published as pathogenic or benign to our knowledge

Illumina Laboratory Services, Illumina
Classification: Uncertain significance for Retinitis pigmentosa. Last evaluated: 2018-01-13. Review status: criteria provided, single submitter. Criteria: ICSL Variant Classification Criteria 13 December 2019. Collection method: clinical testing. Allele origin: germline.

NM_001297.5(CNGB1):c.3340G>A (p.Ala1114Thr)

Gene: CNGB1 (cyclic nucleotide gated channel subunit beta 1; minus strand). Cytogenetic location: 16q21.
Variant type: single nucleotide variant.
Coding change: c.3340G>A on transcript NM_001297.5 (MANE Select); coding-DNA position 3340, G replaced by A.
Protein change: p.Ala1114Thr; replaces alanine 1114 with threonine.
Molecular consequence: missense variant.
Genome position (GRCh38, 1-based): chr16:57,887,977, C>T on the plus strand (G>A on the coding strand, the complement: CNGB1 is on the minus strand). VCF-style: chr16-57887977-C-T. GRCh37 (hg19) VCF-style: chr16-57921881-C-T.
Other names: c.3322G>A, p.Ala1108Thr (NM_001286130.2); short protein forms A1114T, A1108T.
Identifiers: ClinVar variation 320063 (VCV000320063.18), dbSNP rs200242407, ClinGen allele CA8082590.